The following is an entry in ClinVar:

ClinVar aggregate classification (germline): Uncertain significance. Review status: criteria provided, single submitter (1 of 4 stars). 2 submissions from 2 submitters: Uncertain significance (1). 1 of the submissions does not count toward it. Last evaluated 2020-09-24.

Conditions:
Zellweger spectrum disorders (ZS). Also called: Zellweger syndrome; Zellweger Spectrum Disorder (ZSD); Zellweger Spectrum Disorder; Zellweger Spectrum. Identifiers: Orphanet 912, MedGen C0043459, MONDO:0019609.

Submissions (2):

Labcorp Genetics (formerly Invitae), Labcorp
Classification: Uncertain significance for Zellweger spectrum disorders. Last evaluated: 2020-09-24. Review status: criteria provided, single submitter. Criteria: Invitae Variant Classification Sherloc (09022015). Collection method: clinical testing. Allele origin: germline.
Comment: This sequence change replaces histidine with asparagine at codon 623 of the PEX1 protein (p.His623Asn). The histidine residue is moderately conserved and there is a small physicochemical difference between histidine and asparagine. This variant is not present in population databases (ExAC no frequency). This variant has not been reported in the literature in individuals with PEX1-related conditions. Algorithms developed to predict the effect of missense changes on protein structure and function (SIFT, PolyPhen-2, Align-GVGD) all suggest that this variant is likely to be tolerated, but these predictions have not been confirmed by published functional studies and their clinical significance is uncertain. In summary, the available evidence is currently insufficient to determine the role of this variant in disease. Therefore, it has been classified as a Variant of Uncertain Significance.

Natera, Inc.
Classification: Uncertain significance for Zellweger syndrome. Last evaluated: 2020-02-03. Review status: no assertion criteria provided. Collection method: clinical testing. Allele origin: germline. Not counted in ClinVar's aggregate classification.

NM_000466.3(PEX1):c.1867C>A (p.His623Asn)

Gene: PEX1 (peroxisomal biogenesis factor 1; minus strand). Cytogenetic location: 7q21.2.
Variant type: single nucleotide variant.
Coding change: c.1867C>A on transcript NM_000466.3 (MANE Select); coding-DNA position 1867, C replaced by A.
Protein change: p.His623Asn; replaces histidine 623 with asparagine.
Molecular consequence: missense variant.
Genome position (GRCh38, 1-based): chr7:92,506,281, G>T on the plus strand (C>A on the coding strand, the complement: PEX1 is on the minus strand). VCF-style: chr7-92506281-G-T. GRCh37 (hg19) VCF-style: chr7-92135595-G-T.
Other names: c.1867C>A, p.His623Asn (NM_001282677.2); c.1243C>A, p.His415Asn (NM_001282678.2); short protein forms H415N, H623N.
Identifiers: ClinVar variation 1026195 (VCV001026195.12), dbSNP rs1792183513, ClinGen allele CA368184829.